The following is an entry in ClinVar:

NM_080732.4(EGLN2):c.763G>T (p.Ala255Ser)

Genes: EGLN2 (egl-9 family hypoxia inducible factor 2; plus strand), RAB4B-EGLN2 (RAB4B-EGLN2 readthrough (NMD candidate); plus strand). Cytogenetic location: 19q13.2.
Variant type: single nucleotide variant.
Coding change: c.763G>T on transcript NM_080732.4 (MANE Select); coding-DNA position 763, G replaced by T.
Protein change: p.Ala255Ser; replaces alanine 255 with serine.
Molecular consequence: missense variant. On other transcripts: non-coding transcript variant (1).
Genome position (GRCh38, 1-based): chr19:40,801,335, G>T. VCF-style: chr19-40801335-G-T. GRCh37 (hg19) VCF-style: chr19-41307240-G-T.
Other names: c.763G>T, p.Ala255Ser (NM_053046.4); short protein forms A255S.
Identifiers: ClinVar variation 3274808 (VCV003274808.1).

ClinVar aggregate classification (germline): Uncertain significance (1 of 4 stars; one submission).

gnomAD v4.1: 3 of 1,612,398 alleles (0.00019%); highest among the groups gnomAD compares: East Asian, 0.0045%; no homozygotes.

Submission:

Ambry Genetics
Classification: Uncertain significance. Last evaluated: 2024-04-19. Review status: criteria provided, single submitter. Criteria: Ambry Variant Classification Scheme 2023. Collection method: clinical testing. Allele origin: germline.
Comment: The p.A255S variant (also known as c.763G>T), located in coding exon 1 of the EGLN2 gene, results from a G to T substitution at nucleotide position 763. The alanine at codon 255 is replaced by serine, an amino acid with similar properties. This amino acid position is conserved. In addition, this alteration is predicted to be tolerated by in silico analysis. Based on the available evidence, the clinical significance of this variant remains unclear.